The following is an entry in ClinVar:

ClinVar aggregate classification (germline): Uncertain significance (1 of 4 stars; one submission).

Conditions:
Peroxisome biogenesis disorder 3A (Zellweger). Also called: PEROXISOMAL BIOGENESIS DISORDER 3A (ZELLWEGER); Peroxisome biogenesis disorder 3A. Identifiers: Orphanet 912, MedGen C3553929, MONDO:0013927, OMIM 614859.

Allele frequency attached by ClinVar (database versions not stated): TOPMed below 0.00001; ExAC 0.00001; gnomAD exomes 0.00001.

Submission:

Labcorp Genetics (formerly Invitae), Labcorp
Classification: Uncertain significance for Peroxisome biogenesis disorder 3A (Zellweger). Last evaluated: 2022-08-09. Review status: criteria provided, single submitter. Criteria: Invitae Variant Classification Sherloc (09022015). Collection method: clinical testing. Allele origin: germline.
Comment: This sequence change replaces arginine, which is basic and polar, with cysteine, which is neutral and slightly polar, at codon 327 of the PEX12 protein (p.Arg327Cys). This variant is present in population databases (rs751429784, gnomAD 0.006%). This variant has not been reported in the literature in individuals affected with PEX12-related conditions. Algorithms developed to predict the effect of missense changes on protein structure and function are either unavailable or do not agree on the potential impact of this missense change (SIFT: "Deleterious"; PolyPhen-2: "Probably Damaging"; Align-GVGD: "Class C15"). In summary, the available evidence is currently insufficient to determine the role of this variant in disease. Therefore, it has been classified as a Variant of Uncertain Significance.

NM_000286.3(PEX12):c.979C>T (p.Arg327Cys)

Gene: PEX12 (peroxisomal biogenesis factor 12; minus strand). Cytogenetic location: 17q12.
Variant type: single nucleotide variant.
Coding change: c.979C>T on transcript NM_000286.3 (MANE Select); coding-DNA position 979, C replaced by T.
Protein change: p.Arg327Cys; replaces arginine 327 with cysteine.
Molecular consequence: missense variant.
Genome position (GRCh38, 1-based): chr17:35,575,883, G>A on the plus strand (C>T on the coding strand, the complement: PEX12 is on the minus strand). VCF-style: chr17-35575883-G-A. GRCh37 (hg19) VCF-style: chr17-33902902-G-A.
Other names: short protein forms R327C.
Identifiers: ClinVar variation 2143345 (VCV002143345.1), dbSNP rs751429784, ClinGen allele CA8504810.
Genomic context (GRCh38, chr17:35,575,883, plus strand): 5'-CTGTTGGATAACCTGTGATGGGACAAGCTTGGTGACTCCTCACATAATGAAACACACAGC[G>A]GTAACAAAACACATAGCCAGAGGTGGCAAGAACAGTATCATTCACCCGGGTTTTACGACA-3'
Protein context (NP_000277.1, residues 317-337): LATSGYVFCY[Arg327Cys]CVFHYVRSHQ